The following is an entry in ClinVar:

ClinVar aggregate classification (germline): Uncertain significance (1 of 4 stars; one submission).

Conditions:
Spastic paraplegia. Identifiers: MedGen C0037772, HP:0001258.

Allele frequency attached by ClinVar (database versions not stated): gnomAD 0.00001; TOPMed 0.00002.
gnomAD v4.1: 3 of 1,613,346 alleles (0.00019%); highest among the groups gnomAD compares: African/African-American, 0.0013%; no homozygotes.

Submission:

Labcorp Genetics (formerly Invitae), Labcorp
Classification: Uncertain significance for Spastic paraplegia. Last evaluated: 2022-03-14. Review status: criteria provided, single submitter. Criteria: Invitae Variant Classification Sherloc (09022015). Collection method: clinical testing. Allele origin: germline.
Comment: This sequence change replaces aspartic acid, which is acidic and polar, with histidine, which is basic and polar, at codon 685 of the AP4E1 protein (p.Asp685His). This variant is present in population databases (no rsID available, gnomAD 0.007%). This variant has not been reported in the literature in individuals affected with AP4E1-related conditions. Algorithms developed to predict the effect of missense changes on protein structure and function are either unavailable or do not agree on the potential impact of this missense change (SIFT: "Deleterious"; PolyPhen-2: "Probably Damaging"; Align-GVGD: "Class C0"). In summary, the available evidence is currently insufficient to determine the role of this variant in disease. Therefore, it has been classified as a Variant of Uncertain Significance.

NM_007347.5(AP4E1):c.2053G>C (p.Asp685His)

Gene: AP4E1 (adaptor related protein complex 4 subunit epsilon 1; plus strand). Cytogenetic location: 15q21.2.
Variant type: single nucleotide variant.
Coding change: c.2053G>C on transcript NM_007347.5 (MANE Select); coding-DNA position 2053, G replaced by C.
Protein change: p.Asp685His; replaces aspartic acid 685 with histidine.
Molecular consequence: missense variant.
Genome position (GRCh38, 1-based): chr15:50,984,108, G>C. VCF-style: chr15-50984108-G-C. GRCh37 (hg19) VCF-style: chr15-51276305-G-C.
Other names: c.1828G>C, p.Asp610His (NM_001252127.2); short protein forms D610H, D685H.
Identifiers: ClinVar variation 2053423 (VCV002053423.3), dbSNP rs1187523349, ClinGen allele CA392419084.